The following is an entry in ClinVar:

ClinVar aggregate classification (germline): Benign. Review status: criteria provided, multiple submitters, no conflicts (2 of 4 stars). 3 submissions from 3 submitters: Benign (2). 1 of the submissions does not count toward it. Last evaluated 2018-08-20.

Conditions:
CPB1-related disorder. Also called: CPB1-related condition.

Allele frequency attached by ClinVar (database versions not stated): gnomAD exomes 0.00246; gnomAD 0.02327 and 0.02495; TOPMed 0.02619; ESP Exome Variant Server 0.02714; 1000 Genomes Project 0.02796; 1000 Genomes Project 30x 0.02983.
gnomAD v4.1: 7,293 of 1,612,944 alleles (0.45%); highest among the groups gnomAD compares: African/African-American, 8%; 251 homozygotes.

Submissions (3):

Labcorp Genetics (formerly Invitae), Labcorp
Classification: Benign. Last evaluated: 2018-08-20. Review status: criteria provided, single submitter. Criteria: Invitae Variant Classification Sherloc (09022015). Collection method: clinical testing. Allele origin: germline.

Breakthrough Genomics
Classification: Benign. Review status: criteria provided, single submitter. Criteria: ACMG Guidelines, 2015. Collection method: not provided. Allele origin: germline. Inheritance: Unknown mechanism. Affected: yes.

PreventionGenetics, part of Exact Sciences
Classification: Benign for CPB1-related condition. Last evaluated: 2019-05-20. Review status: no assertion criteria provided. Collection method: clinical testing. Allele origin: germline. Not counted in ClinVar's aggregate classification.
Comment: This variant is classified as benign based on ACMG/AMP sequence variant interpretation guidelines (Richards et al. 2015 PMID: 25741868, with internal and published modifications).

NM_001871.3(CPB1):c.778+6T>C

Gene: CPB1 (carboxypeptidase B1; plus strand). Cytogenetic location: 3q24.
Variant type: single nucleotide variant.
Coding change: c.778+6T>C on transcript NM_001871.3 (MANE Select); 6 bases into the intron after coding-DNA position 778, T replaced by C.
Molecular consequence: intron variant.
Genome position (GRCh38, 1-based): chr3:148,844,773, T>C. VCF-style: chr3-148844773-T-C. GRCh37 (hg19) VCF-style: chr3-148562560-T-C.
Identifiers: ClinVar variation 771355 (VCV000771355.6), dbSNP rs76950051, ClinGen allele CA2657750.